The following is an entry in ClinVar:

NM_170707.4(LMNA):c.356+2T>G

Gene: LMNA (lamin A/C; plus strand). Cytogenetic location: 1q22.
Variant type: single nucleotide variant.
Coding change: c.356+2T>G on transcript NM_170707.4 (MANE Select); the canonical splice donor site of the intron after coding-DNA position 356, T replaced by G.
Molecular consequence: splice donor variant. On other transcripts: intron variant (2).
Genome position (GRCh38, 1-based): chr1:156,115,276, T>G. VCF-style: chr1-156115276-T-G. GRCh37 (hg19) VCF-style: chr1-156085067-T-G.
Other names: c.356+2T>G (NM_001406983.1, NM_001282625.2, NM_001406984.1 and 6 more transcripts); c.-46+2T>G (NM_001407002.1, NM_001406995.1, NM_001406990.1); c.-203+8453T>G (NM_001406993.1, NM_001407003.1); c.-489+2T>G (NM_001406999.1); c.-68+2T>G (NM_001406986.1); c.-309+2T>G (NM_001407000.1, NM_001406994.1); c.-152+2T>G (NM_001407001.1).
Identifiers: ClinVar variation 2202858 (VCV002202858.4), dbSNP rs2527835305, ClinGen allele CA342808914.
Genomic context (GRCh38, chr1:156,115,276, plus strand): 5'-GCCCGCCTGCAGCTGGAGCTGAGCAAAGTGCGTGAGGAGTTTAAGGAGCTGAAAGCGCGG[T>G]GAGTTCGCCCAGGTGGCTGCGTGCCTGGCGGGGAGTGGAGAGGGCGGCGGGCCGGCGCCC-3'

ClinVar aggregate classification (germline): Pathogenic (1 of 4 stars; one submission).

Conditions:
Charcot-Marie-Tooth disease type 2. Also called: Charcot-Marie-Tooth type 2. Identifiers: Orphanet 64746, MedGen C0270914, MONDO:0018993.

Submission:

Labcorp Genetics (formerly Invitae), Labcorp
Classification: Pathogenic for Charcot-Marie-Tooth disease type 2. Last evaluated: 2022-09-27. Review status: criteria provided, single submitter. Criteria: Invitae Variant Classification Sherloc (09022015). Collection method: clinical testing. Allele origin: germline.
Comment: For these reasons, this variant has been classified as Pathogenic. Algorithms developed to predict the effect of sequence changes on RNA splicing suggest that this variant may disrupt the consensus splice site. Disruption of this splice site has been observed in individuals with autosomal dominant LMNA-related conditions (PMID: 23062543, 27532257; Invitae). This variant is not present in population databases (gnomAD no frequency). This sequence change affects a donor splice site in intron 1 of the LMNA gene. It is expected to disrupt RNA splicing. Variants that disrupt the donor or acceptor splice site typically lead to a loss of protein function (PMID: 16199547), and loss-of-function variants in LMNA are known to be pathogenic (PMID: 18585512, 18926329).

Literature cited by the submitters: PubMed 23062543; PubMed 27532257; PubMed 16199547; PubMed 18585512; PubMed 18926329.